The following is an entry in ClinVar:

ClinVar aggregate classification (germline): Uncertain significance (1 of 4 stars; one submission).

Conditions:
Neuronal ceroid lipofuscinosis. Also called: Neuronal Ceroid Lipofuscinoses. Identifiers: Orphanet 216, Orphanet 79263, MedGen C0027877, MONDO:0016295. Disease mechanism: loss of function.

Allele frequency attached by ClinVar (database versions not stated): gnomAD exomes below 0.00001.

Submission:

Labcorp Genetics (formerly Invitae), Labcorp
Classification: Uncertain significance for Neuronal ceroid lipofuscinosis. Last evaluated: 2021-10-25. Review status: criteria provided, single submitter. Criteria: Invitae Variant Classification Sherloc (09022015). Collection method: clinical testing. Allele origin: germline.
Comment: This sequence change replaces aspartic acid with glutamic acid at codon 283 of the CLN6 protein (p.Asp283Glu). The aspartic acid residue is highly conserved and there is a small physicochemical difference between aspartic acid and glutamic acid. This variant is not present in population databases (ExAC no frequency). This variant has not been reported in the literature in individuals affected with CLN6-related conditions. Algorithms developed to predict the effect of missense changes on protein structure and function are either unavailable or do not agree on the potential impact of this missense change (SIFT: "Deleterious"; PolyPhen-2: "Probably Damaging"; Align-GVGD: "Class C0"). In summary, the available evidence is currently insufficient to determine the role of this variant in disease. Therefore, it has been classified as a Variant of Uncertain Significance.

NM_017882.3(CLN6):c.849C>A (p.Asp283Glu)

Gene: CLN6 (CLN6 transmembrane ER protein; minus strand). Cytogenetic location: 15q23.
Variant type: single nucleotide variant.
Coding change: c.849C>A on transcript NM_017882.3 (MANE Select); coding-DNA position 849, C replaced by A.
Protein change: p.Asp283Glu; replaces aspartic acid 283 with glutamic acid.
Molecular consequence: missense variant.
Genome position (GRCh38, 1-based): chr15:68,208,227, G>T on the plus strand (C>A on the coding strand, the complement: CLN6 is on the minus strand). VCF-style: chr15-68208227-G-T. GRCh37 (hg19) VCF-style: chr15-68500565-G-T.
Other names: short protein forms D283E.
Identifiers: ClinVar variation 1439932 (VCV001439932.3), dbSNP rs1239948245, ClinGen allele CA392971763.